The following is an entry in ClinVar:

ClinVar aggregate classification (germline): Uncertain significance. Review status: criteria provided, multiple submitters, no conflicts (2 of 4 stars). 2 submissions from 2 submitters: Uncertain significance (2). Last evaluated 2026-10-20.

Allele frequency attached by ClinVar (database versions not stated): gnomAD exomes 0.00001; TOPMed below 0.00001; ExAC 0.00002; ESP Exome Variant Server 0.00008.
gnomAD v4.1: 17 of 1,614,220 alleles (0.0011%); highest among the groups gnomAD compares: East Asian, 0.0045%; no homozygotes.

Submissions (2):

GeneDx
Classification: Uncertain significance. Last evaluated: 2026-10-20. Review status: criteria provided, single submitter. Criteria: GeneDx Variant Classification Process June 2021. Collection method: clinical testing. Allele origin: germline.
Comment: In silico analysis supports that this missense variant has a deleterious effect on protein structure/function; Has not been previously published as pathogenic or benign to our knowledge

Labcorp Genetics (formerly Invitae), Labcorp
Classification: Uncertain significance. Last evaluated: 2022-09-23. Review status: criteria provided, single submitter. Criteria: Invitae Variant Classification Sherloc (09022015). Collection method: clinical testing. Allele origin: germline.
Comment: This sequence change replaces arginine, which is basic and polar, with cysteine, which is neutral and slightly polar, at codon 347 of the KCNJ11 protein (p.Arg347Cys). This variant is present in population databases (rs146255794, gnomAD 0.007%). This variant has not been reported in the literature in individuals affected with KCNJ11-related conditions. Advanced modeling of protein sequence and biophysical properties (such as structural, functional, and spatial information, amino acid conservation, physicochemical variation, residue mobility, and thermodynamic stability) performed at Invitae indicates that this missense variant is expected to disrupt KCNJ11 protein function. In summary, the available evidence is currently insufficient to determine the role of this variant in disease. Therefore, it has been classified as a Variant of Uncertain Significance.

NM_000525.4(KCNJ11):c.1039C>T (p.Arg347Cys)

Gene: KCNJ11 (potassium inwardly rectifying channel subfamily J member 11; minus strand). Cytogenetic location: 11p15.1.
Variant type: single nucleotide variant.
Coding change: c.1039C>T on transcript NM_000525.4 (MANE Select); coding-DNA position 1039, C replaced by T.
Protein change: p.Arg347Cys; replaces arginine 347 with cysteine.
Molecular consequence: missense variant.
Genome position (GRCh38, 1-based): chr11:17,387,053, G>A on the plus strand (C>T on the coding strand, the complement: KCNJ11 is on the minus strand). VCF-style: chr11-17387053-G-A. GRCh37 (hg19) VCF-style: chr11-17408600-G-A.
Other names: c.778C>T, p.Arg260Cys (NM_001166290.2, NM_001377296.1, NM_001377297.1); c.1039C>T (NM_000525.3); short protein forms R347C, R260C.
Identifiers: ClinVar variation 2156201 (VCV002156201.3), dbSNP rs146255794, ClinGen allele CA5902195.
Genomic context (GRCh38, chr11:17,387,053, plus strand): 5'-GCCCGCGGGCTGAGGCGAGGGTCAGAGCTTCCAGTAGGCTGTGGTCCTCATCAAGCTGGC[G>A]GGCCGTGCAGAGTGGTGTGGGCACTTTGACGGTGTTGCCAAACTTGGAGTAGTCCACAGA-3'
Protein context (NP_000516.3, residues 337-357): VKVPTPLCTA[Arg347Cys]QLDEDHSLLE